The following is an entry in ClinVar:

ClinVar aggregate classification (germline): Likely pathogenic (1 of 4 stars; one submission).

Conditions:
Spermatogenic failure 25. Identifiers: MedGen C4693765, MONDO:0054729, OMIM 617960.

Submission:

First Genomix Gene Laboratory, Genetic Diagnostics Department
Classification: Likely pathogenic for Spermatogenic failure 25. Last evaluated: 2025-09-17. Review status: criteria provided, single submitter. Criteria: ACMG Guidelines, 2015. Collection method: clinical testing. Allele origin: germline. Inheritance: Autosomal recessive inheritance. Affected: no. Observed: 1 variant allele.

NM_001350162.2(TEX15):c.7626_7627del (p.Glu2544fs)

Gene: TEX15 (testis expressed 15, meiosis and synapsis associated; minus strand). Cytogenetic location: 8p12.
Variant type: Deletion.
Coding change: c.7626_7627del on transcript NM_001350162.2 (MANE Select); coding-DNA positions 7626 to 7627, 2 bases deleted (AA; older notation c.7626_7627delAA).
Protein change: p.Glu2544fs; shifts the reading frame from glutamic acid 2544.
Molecular consequence: frameshift variant.
Genome position (GRCh38, 1-based): chr8:30,842,540-30,842,541, TT deleted on the plus strand (AA on the coding strand, the reverse complement: TEX15 is on the minus strand). VCF-style (leftmost placement, unchanged base first): chr8-30842539-CTT-C. GRCh37 (hg19) VCF-style: chr8-30700055-CTT-C.
Other names: c.7626_7627delAA (NM_001350162.2); short protein forms E2544fs.
Identifiers: ClinVar variation 4850338 (VCV004850338.1).